The following is an entry in ClinVar:

ClinVar aggregate classification (germline): Uncertain significance (1 of 4 stars; one submission).

gnomAD v4.1: 6 of 1,613,572 alleles (0.00037%); highest among the groups gnomAD compares: Non-Finnish European, 0.00034%; no homozygotes.

Submission:

Ambry Genetics
Classification: Uncertain significance. Last evaluated: 2024-10-29. Review status: criteria provided, single submitter. Criteria: Ambry Variant Classification Scheme 2023. Collection method: clinical testing. Allele origin: germline.
Comment: The p.R140L variant (also known as c.419G>T), located in coding exon 4 of the A2ML1 gene, results from a G to T substitution at nucleotide position 419. The arginine at codon 140 is replaced by leucine, an amino acid with dissimilar properties. This amino acid position is conserved. In addition, this alteration is predicted to be deleterious by in silico analysis. Based on the available evidence, the clinical significance of this variant remains unclear.

NM_144670.6(A2ML1):c.419G>T (p.Arg140Leu)

Genes: A2ML1 (alpha-2-macroglobulin like 1; plus strand), A2ML1-AS1 (A2ML1 antisense RNA 1; minus strand). Cytogenetic location: 12p13.31.
Variant type: single nucleotide variant.
Coding change: c.419G>T on transcript NM_144670.6 (MANE Select); coding-DNA position 419, G replaced by T.
Protein change: p.Arg140Leu; replaces arginine 140 with leucine.
Molecular consequence: missense variant.
Genome position (GRCh38, 1-based): chr12:8,829,736, G>T. VCF-style: chr12-8829736-G-T. GRCh37 (hg19) VCF-style: chr12-8982332-G-T.
Other names: short protein forms R140L.
Identifiers: ClinVar variation 3497001 (VCV003497001.1).